The following is an entry in ClinVar:

ClinVar aggregate classification (germline): Uncertain significance (1 of 4 stars; one submission).

Submission:

Foulkes Cancer Genetics LDI, Lady Davis Institute for Medical Research
Classification: Uncertain significance. Last evaluated: 2019-07-01. Review status: criteria provided, single submitter. Criteria: ACMG Guidelines, 2015. Collection method: curation. Allele origin: germline. Affected: yes. Observed: 1 variant allele.
Comment: ACMG criteria met: None

Literature cited by the submitters: PubMed 25526195.

NM_177438.3(DICER1):c.3093+160T>C

Gene: DICER1 (dicer 1, ribonuclease III; minus strand). Cytogenetic location: 14q32.13.
Variant type: single nucleotide variant.
Coding change: c.3093+160T>C on transcript NM_177438.3 (MANE Select); 160 bases into the intron after coding-DNA position 3093, T replaced by C.
Molecular consequence: intron variant.
Genome position (GRCh38, 1-based): chr14:95,105,518, A>G on the plus strand (T>C on the coding strand, the complement: DICER1 is on the minus strand). VCF-style: chr14-95105518-A-G. GRCh37 (hg19) VCF-style: chr14-95571855-A-G.
Other names: c.3093+160T>C (NM_001291628.2, NM_030621.4, NM_001271282.3 and 1 more transcripts).
Identifiers: ClinVar variation 933109 (VCV000933109.2), dbSNP rs1891337486, ClinGen allele CA1139663640.